The following is an entry in ClinVar:

NM_016464.5(TMEM138):c.136G>C (p.Asp46His)

Gene: TMEM138 (transmembrane protein 138; plus strand). Cytogenetic location: 11q12.2.
Variant type: single nucleotide variant.
Coding change: c.136G>C on transcript NM_016464.5 (MANE Select); coding-DNA position 136, G replaced by C.
Protein change: p.Asp46His; replaces aspartic acid 46 with histidine.
Molecular consequence: missense variant. On other transcripts: 5 prime UTR variant (1), non-coding transcript variant (1).
Genome position (GRCh38, 1-based): chr11:61,366,052, G>C. VCF-style: chr11-61366052-G-C. GRCh37 (hg19) VCF-style: chr11-61133524-G-C.
Other names: c.-39G>C (NM_001330281.2); short protein forms D46H.
Identifiers: ClinVar variation 429352 (VCV000429352.5), dbSNP rs375503806, ClinGen allele CA6034547.
Genomic context (GRCh38, chr11:61,366,052, plus strand): 5'-TCTTGGGTCCTCACACAGGCCTTCATTGGTTGTACTTTTTTTTATGTCTACAGCATCCAG[G>C]ATATTGCAGTCCTCTTCAACATCATCATCATTTTCCTCATGTTCTTCAACACCTTCGTCT-3'
Protein context (NP_057548.1, residues 36-56): VIQLVLFIIQ[Asp46His]IAVLFNIIII

ClinVar aggregate classification (germline): Uncertain significance. Review status: criteria provided, multiple submitters, no conflicts (2 of 4 stars). 2 submissions from 2 submitters: Uncertain significance (2). Last evaluated 2022-01-07.

Conditions:
Joubert syndrome 16 (JBTS16). Identifiers: Orphanet 2318, MedGen C3280906, MONDO:0013764, OMIM 614465.

Allele frequency attached by ClinVar (database versions not stated): ExAC 0.00002; gnomAD exomes 0.00002; ESP Exome Variant Server 0.00008.
gnomAD v4.1: 31 of 1,613,198 alleles (0.0019%); highest among the groups gnomAD compares: Admixed American, 0.0033%; no homozygotes.

Submissions (2):

Labcorp Genetics (formerly Invitae), Labcorp
Classification: Uncertain significance for Joubert syndrome 16. Last evaluated: 2022-01-07. Review status: criteria provided, single submitter. Criteria: Invitae Variant Classification Sherloc (09022015). Collection method: clinical testing. Allele origin: germline.
Comment: This sequence change replaces aspartic acid, which is acidic and polar, with histidine, which is basic and polar, at codon 46 of the TMEM138 protein (p.Asp46His). This variant is present in population databases (rs375503806, gnomAD 0.003%). This variant has not been reported in the literature in individuals affected with TMEM138-related conditions. ClinVar contains an entry for this variant (Variation ID: 429352). Algorithms developed to predict the effect of missense changes on protein structure and function are either unavailable or do not agree on the potential impact of this missense change (SIFT: "Deleterious"; PolyPhen-2: "Probably Damaging"; Align-GVGD: "Class C0"). In summary, the available evidence is currently insufficient to determine the role of this variant in disease. Therefore, it has been classified as a Variant of Uncertain Significance.

GeneDx
Classification: Uncertain significance. Last evaluated: 2017-04-25. Review status: criteria provided, single submitter. Criteria: GeneDx Variant Classification (06012015). Collection method: clinical testing. Allele origin: germline. Affected: yes.
Comment: A variant of uncertain significance has been identified in the TMEM138 gene. The D46H variant has not been published as a pathogenic variant, nor has it been reported as a benign variant to our knowledge. The D46H variant is not observed at a significant frequency in large population cohorts (Lek et al., 2016; 1000 Genomes Consortium et al., 2015; Exome Variant Server). The D46H variant is a non-conservative amino acid substitution, which is likely to impact secondary protein structure as these residues differ in polarity, charge, size and/or other properties. This substitution occurs at a position that is conserved across species, and in silico analysis predicts this variant is probably damaging to the protein structure/function. Based on the currently available information, it is unclear whether this variant is a pathogenic variant or a rare benign variant.